The following is an entry in ClinVar:

ClinVar aggregate classification (germline): Uncertain significance (1 of 4 stars; one submission).

Conditions:
Combined immunodeficiency due to LRBA deficiency. Also called: Common variable immunodeficiency 8, with autoimmunity. Identifiers: Orphanet 445018, MedGen C3553512, MONDO:0013863, OMIM 614700.

Submission:

Labcorp Genetics (formerly Invitae), Labcorp
Classification: Uncertain significance for Combined immunodeficiency due to LRBA deficiency. Last evaluated: 2024-04-25. Review status: criteria provided, single submitter. Criteria: Invitae Variant Classification Sherloc (09022015). Collection method: clinical testing. Allele origin: germline.
Comment: This sequence change replaces glutamic acid, which is acidic and polar, with aspartic acid, which is acidic and polar, at codon 1388 of the LRBA protein (p.Glu1388Asp). This variant is not present in population databases (gnomAD no frequency). This variant has not been reported in the literature in individuals affected with LRBA-related conditions. ClinVar contains an entry for this variant (Variation ID: 1017693). Advanced modeling of protein sequence and biophysical properties (such as structural, functional, and spatial information, amino acid conservation, physicochemical variation, residue mobility, and thermodynamic stability) performed at Invitae indicates that this missense variant is not expected to disrupt LRBA protein function with a negative predictive value of 80%. In summary, the available evidence is currently insufficient to determine the role of this variant in disease. Therefore, it has been classified as a Variant of Uncertain Significance.

NM_001364905.1(LRBA):c.4164A>T (p.Glu1388Asp)

Gene: LRBA (LPS responsive beige-like anchor protein; minus strand). Cytogenetic location: 4q31.3.
Variant type: single nucleotide variant.
Coding change: c.4164A>T on transcript NM_001364905.1 (MANE Select); coding-DNA position 4164, A replaced by T.
Protein change: p.Glu1388Asp; replaces glutamic acid 1388 with aspartic acid.
Molecular consequence: missense variant.
Genome position (GRCh38, 1-based): chr4:150,848,993, T>A on the plus strand (A>T on the coding strand, the complement: LRBA is on the minus strand). VCF-style: chr4-150848993-T-A. GRCh37 (hg19) VCF-style: chr4-151770145-T-A.
Other names: c.4164A>T, p.Glu1388Asp (NM_001199282.3, NM_001367550.1, NM_006726.5); short protein forms E1388D.
Identifiers: ClinVar variation 1017693 (VCV001017693.10), dbSNP rs1750244826, ClinGen allele CA358453609.